The following is an entry in ClinVar:

NM_213599.3(ANO5):c.2446G>A (p.Glu816Lys)

Gene: ANO5 (anoctamin 5; plus strand). Cytogenetic location: 11p14.3.
Variant type: single nucleotide variant.
Coding change: c.2446G>A on transcript NM_213599.3 (MANE Select); coding-DNA position 2446, G replaced by A.
Protein change: p.Glu816Lys; replaces glutamic acid 816 with lysine.
Molecular consequence: missense variant.
Genome position (GRCh38, 1-based): chr11:22,276,125, G>A. VCF-style: chr11-22276125-G-A. GRCh37 (hg19) VCF-style: chr11-22297671-G-A.
Other names: c.2443G>A, p.Glu815Lys (NM_001142649.2); short protein forms E816K, E815K.
Identifiers: ClinVar variation 290281 (VCV000290281.13), dbSNP rs145127621, ClinGen allele CA5923587.
Genomic context (GRCh38, chr11:22,276,125, plus strand): 5'-TTTTTTTTGCATTTACTTCCACTTTTCAGGTACAGAGATTACAGATATCCTCCTGATGAC[G>A]AGAATAAATATTTTCATAATATGCAATTCTGGCATGTCCTTGCTGCCAAGATGACCTTCA-3'
Protein context (NP_998764.1, residues 806-826): YRDYRYPPDD[Glu816Lys]NKYFHNMQFW

ClinVar aggregate classification (germline): Uncertain significance. Review status: criteria provided, multiple submitters, no conflicts (2 of 4 stars). 3 submissions from 3 submitters: Uncertain significance (3). Last evaluated 2026-08-06.

Conditions:
Autosomal recessive limb-girdle muscular dystrophy type 2L (LGMDR12). Also called: Limb-girdle muscular dystrophy, type 2L; MUSCULAR DYSTROPHY, LIMB-GIRDLE, AUTOSOMAL RECESSIVE 12; Limb-Girdle Muscular Dystrophy R12 Anoctamin-5-Related (LGMD-R12). Identifiers: Orphanet 206549, MedGen C1969785, MONDO:0012652, OMIM 611307.
Gnathodiaphyseal dysplasia (GDD). Also called: OSTEOGENESIS IMPERFECTA WITH UNUSUAL SKELETAL LESIONS; GNATHODIAPHYSEAL SCLEROSIS. Identifiers: Orphanet 53697, MedGen C1833736, MONDO:0008151, OMIM 166260.
Acute rhabdomyolysis. Identifiers: MedGen C3807306, HP:0008942.

Allele frequency attached by ClinVar (database versions not stated): TOPMed 0.00006; ESP Exome Variant Server 0.00008; gnomAD 0.00010.
gnomAD v4.1: 28 of 1,610,502 alleles (0.0017%); highest among the groups gnomAD compares: African/African-American, 0.012%; no homozygotes.

Submissions (3):

NHS Central & South Genomic Laboratory Hub
Classification: Uncertain significance for Acute Rhabdomyolysis. Last evaluated: 2026-08-06. Review status: criteria provided, single submitter. Criteria: ACMG Guidelines, 2015. Collection method: clinical testing. Allele origin: germline. Affected: yes.

Labcorp Genetics (formerly Invitae), Labcorp
Classification: Uncertain significance for Autosomal recessive limb-girdle muscular dystrophy type 2L; Gnathodiaphyseal dysplasia. Last evaluated: 2025-03-31. Review status: criteria provided, single submitter. Criteria: Invitae Variant Classification Sherloc (09022015). Collection method: clinical testing. Allele origin: germline.
Comment: This sequence change replaces glutamic acid, which is acidic and polar, with lysine, which is basic and polar, at codon 816 of the ANO5 protein (p.Glu816Lys). This variant is present in population databases (rs145127621, gnomAD 0.01%). This missense change has been observed in individual(s) with clinical suspicion of limb-girdle muscular dystrophy (PMID: 30564623). ClinVar contains an entry for this variant (Variation ID: 290281). An algorithm developed to predict the effect of missense changes on protein structure and function outputs the following: PolyPhen-2: "Benign". The lysine amino acid residue is found in multiple mammalian species, which suggests that this missense change does not adversely affect protein function. In summary, the available evidence is currently insufficient to determine the role of this variant in disease. Therefore, it has been classified as a Variant of Uncertain Significance.

Eurofins Ntd Llc (ga)
Classification: Uncertain significance. Last evaluated: 2016-11-21. Review status: criteria provided, single submitter. Criteria: EGL Classification Definitions 2015. Collection method: clinical testing. Allele origin: germline. Observed: 1 variant allele, 1 heterozygote.

Literature cited by the submitters: PubMed 30564623 (cited by Labcorp Genetics (formerly Invitae), Labcorp).